The following is an entry in ClinVar:

NM_006859.4(LIAS):c.341T>C (p.Ile114Thr)

Gene: LIAS (lipoic acid synthetase; plus strand). Cytogenetic location: 4p14.
Variant type: single nucleotide variant.
Coding change: c.341T>C on transcript NM_006859.4 (MANE Select); coding-DNA position 341, T replaced by C.
Protein change: p.Ile114Thr; replaces isoleucine 114 with threonine.
Molecular consequence: missense variant. On other transcripts: synonymous variant (2).
Genome position (GRCh38, 1-based): chr4:39,463,553, T>C. VCF-style: chr4-39463553-T-C. GRCh37 (hg19) VCF-style: chr4-39465173-T-C.
Other names: c.341T>C, p.Ile114Thr (NM_001278590.2, NM_001278591.2, NM_194451.3); c.247T>C, p.Leu83= (NM_001278592.2, NM_001363700.2); short protein forms I114T.
Identifiers: ClinVar variation 2083717 (VCV002083717.4), dbSNP rs2474996681, ClinGen allele CA356664212.

ClinVar aggregate classification (germline): Uncertain significance (1 of 4 stars; one submission).

Conditions:
Lipoic acid synthetase deficiency. Also called: HYPERGLYCINEMIA, LACTIC ACIDOSIS, AND SEIZURES. Identifiers: Orphanet 401859, MedGen C3280887, MONDO:0013762, OMIM 614462.

Submission:

Labcorp Genetics (formerly Invitae), Labcorp
Classification: Uncertain significance for Lipoic acid synthetase deficiency. Last evaluated: 2022-08-17. Review status: criteria provided, single submitter. Criteria: Invitae Variant Classification Sherloc (09022015). Collection method: clinical testing. Allele origin: germline.
Comment: In summary, the available evidence is currently insufficient to determine the role of this variant in disease. Therefore, it has been classified as a Variant of Uncertain Significance. This sequence change replaces isoleucine, which is neutral and non-polar, with threonine, which is neutral and polar, at codon 114 of the LIAS protein (p.Ile114Thr). Algorithms developed to predict the effect of missense changes on protein structure and function (SIFT, PolyPhen-2, Align-GVGD) all suggest that this variant is likely to be disruptive. This variant has not been reported in the literature in individuals affected with LIAS-related conditions. This variant is not present in population databases (gnomAD no frequency).